The following is an entry in ClinVar:

NM_004463.3(FGD1):c.2834T>G (p.Leu945Ter)

Genes: FGD1 (FYVE, RhoGEF and PH domain containing 1; minus strand), TSR2 (TSR2 ribosome maturation factor; plus strand). Cytogenetic location: Xp11.22.
Variant type: single nucleotide variant.
Coding change: c.2834T>G on transcript NM_004463.3 (MANE Select); coding-DNA position 2834, T replaced by G.
Protein change: p.Leu945Ter; replaces leucine 945 with a stop codon.
Molecular consequence: nonsense. On other transcripts: 3 prime UTR variant (5).
Genome position (GRCh38, 1-based): chrX:54,446,161, A>C on the plus strand (T>G on the coding strand, the complement: FGD1 is on the minus strand). VCF-style: chrX-54446161-A-C. GRCh37 (hg19) VCF-style: chrX-54472594-A-C.
Other names: c.*1611A>C (NM_001346789.2, NM_001346790.2, NM_001346791.2 and 2 more transcripts); short protein forms L945*.
Identifiers: ClinVar variation 3363827 (VCV003363827.2).

ClinVar aggregate classification (germline): Uncertain significance (1 of 4 stars; one submission).

Submission:

GeneDx
Classification: Uncertain significance. Last evaluated: 2025-06-10. Review status: criteria provided, single submitter. Criteria: GeneDx Variant Classification Process June 2021. Collection method: clinical testing. Allele origin: germline.
Comment: Nonsense variant predicted to result in protein truncation as the last 17 amino acids are lost, although loss-of-function variants have not been reported downstream of this position in the protein; Not observed at significant frequency in large population cohorts (gnomAD); Has not been previously published as pathogenic or benign to our knowledge